The following is an entry in ClinVar:

NM_006662.3(SRCAP):c.8972_8980del (p.Asn2991_Val2993del)

Gene: SRCAP (Snf2 related CREBBP activator protein; plus strand). Cytogenetic location: 16p11.2.
Variant type: Deletion.
Coding change: c.8972_8980del on transcript NM_006662.3 (MANE Select); coding-DNA positions 8972 to 8980, 9 bases deleted (ACACTGTCA; older notation c.8972_8980delACACTGTCA).
Protein change: p.Asn2991_Val2993del.
Molecular consequence: inframe deletion.
Genome position (GRCh38, 1-based): chr16:30,739,012-30,739,020, ACACTGTCA deleted; deleting any 9 consecutive bases within chr16:30,739,010-30,739,020 gives the same sequence; the c. name uses the placement nearest the transcript's 3' end. VCF-style (leftmost placement, unchanged base first): chr16-30739009-CCAACACTGT-C. GRCh37 (hg19) VCF-style: chr16-30750330-CCAACACTGT-C.
Identifiers: ClinVar variation 4884110 (VCV004884110.2).
Genomic context (GRCh38, chr16:30,739,009, plus strand): 5'-CACACCCATCACCCCTAACCCCACTCCCACCACTGCTAGTTTGTCCCACTGCTACTGTTG[CCAACACTGT>C]CACCACTGTCACCATTTCAACGTCCCCACCCAAACGGAAGAGGGGCCGACCTCCCAAGAA-3'

ClinVar aggregate classification (germline): Uncertain significance (1 of 4 stars; one submission).

Submission:

Dasa
Classification: Uncertain significance. Last evaluated: 2024-10-04. Review status: criteria provided, single submitter. Criteria: DASA Assertion Criteria. Collection method: clinical testing. Allele origin: germline.
Comment: NM_006662.3(SRCAP):c.8972_8980del (p.Asn2991_Val2993del) is an in-frame deletion predicted to remove amino acids from asparagine at protein position 2991 through valine at protein position 2993 without shifting the reading frame. This variant is absent from population databases. The currently available literature and clinical evidence are not sufficient to establish a definitive association between this variant and the reported condition. Therefore, this variant is classified as a variant of uncertain significance.